The following is an entry in ClinVar:

ClinVar aggregate classification (germline): Uncertain significance. Review status: criteria provided, multiple submitters, no conflicts (2 of 4 stars). 2 submissions from 2 submitters: Uncertain significance (2). Last evaluated 2026-04-17.

Conditions:
Familial thoracic aortic aneurysm and aortic dissection (TAAD). Also called: Thoracic aortic aneurysms and dissections. Identifiers: Orphanet 91387, MedGen C4707243, MONDO:0019625.

Submissions (2):

GeneDx
Classification: Uncertain significance. Last evaluated: 2026-04-17. Review status: criteria provided, single submitter. Criteria: GeneDx Variant Classification Process June 2021. Collection method: clinical testing. Allele origin: germline.
Comment: Has not been previously published as pathogenic or benign to our knowledge; Not observed at significant frequency in large population cohorts (gnomAD); In silico analysis supports that this missense variant has a deleterious effect on protein structure/function; This variant is associated with the following publications: (PMID: 22818064)

Labcorp Genetics (formerly Invitae), Labcorp
Classification: Uncertain significance for Familial thoracic aortic aneurysm and aortic dissection. Last evaluated: 2025-01-06. Review status: criteria provided, single submitter. Criteria: Invitae Variant Classification Sherloc (09022015). Collection method: clinical testing. Allele origin: germline.
Comment: This sequence change replaces lysine, which is basic and polar, with threonine, which is neutral and polar, at codon 326 of the TGFBR1 protein (p.Lys326Thr). This variant is not present in population databases (gnomAD no frequency). This missense change has been observed in individual(s) with clinical features of Loeys Dietz syndrome (external communication). Invitae Evidence Modeling of protein sequence and biophysical properties (such as structural, functional, and spatial information, amino acid conservation, physicochemical variation, residue mobility, and thermodynamic stability) indicates that this missense variant is expected to disrupt TGFBR1 protein function with a positive predictive value of 80%. In summary, the available evidence is currently insufficient to determine the role of this variant in disease. Therefore, it has been classified as a Variant of Uncertain Significance.

NM_004612.4(TGFBR1):c.977A>C (p.Lys326Thr)

Gene: TGFBR1 (transforming growth factor beta receptor 1; plus strand). Cytogenetic location: 9q22.33.
Variant type: single nucleotide variant.
Coding change: c.977A>C on transcript NM_004612.4 (MANE Select); coding-DNA position 977, A replaced by C.
Protein change: p.Lys326Thr; replaces lysine 326 with threonine.
Molecular consequence: missense variant. On other transcripts: non-coding transcript variant (4).
Genome position (GRCh38, 1-based): chr9:99,144,735, A>C. VCF-style: chr9-99144735-A-C. GRCh37 (hg19) VCF-style: chr9-101907017-A-C.
Other names: c.746A>C, p.Lys249Thr (NM_001130916.3, NM_001407435.1); c.989A>C, p.Lys330Thr (NM_001306210.2); c.821A>C, p.Lys274Thr (NM_001407416.1); c.809A>C, p.Lys270Thr (NM_001407417.1); c.782A>C, p.Lys261Thr (NM_001407418.1, NM_001407419.1, NM_001407420.1 and 1 more transcripts); c.770A>C, p.Lys257Thr (NM_001407423.1, NM_001407424.1, NM_001407425.1 and 8 more transcripts); c.269A>C, p.Lys90Thr (NM_001407437.1); c.500A>C, p.Lys167Thr (NM_001407438.1); and 2 more; short protein forms K244T, K274T, K330T, K261T, K326T, K90T, K167T, K249T.
Identifiers: ClinVar variation 3663384 (VCV003663384.3).